The following is an entry in ClinVar:

ClinVar aggregate classification (germline): Uncertain significance (1 of 4 stars; one submission).

gnomAD v4.1: 3 of 1,613,796 alleles (0.00019%); highest among the groups gnomAD compares: African/African-American, 0.004%; no homozygotes.

Submission:

Labcorp Genetics (formerly Invitae), Labcorp
Classification: Uncertain significance. Last evaluated: 2025-03-27. Review status: criteria provided, single submitter. Criteria: Invitae Variant Classification Sherloc (09022015). Collection method: clinical testing. Allele origin: germline.
Comment: This sequence change replaces valine, which is neutral and non-polar, with isoleucine, which is neutral and non-polar, at codon 1436 of the CDK13 protein (p.Val1436Ile). This variant is present in population databases (no rsID available, gnomAD 0.01%). This variant has not been reported in the literature in individuals affected with CDK13-related conditions. Invitae Evidence Modeling of protein sequence and biophysical properties (such as structural, functional, and spatial information, amino acid conservation, physicochemical variation, residue mobility, and thermodynamic stability) indicates that this missense variant is not expected to disrupt CDK13 protein function with a negative predictive value of 95%. In summary, the available evidence is currently insufficient to determine the role of this variant in disease. Therefore, it has been classified as a Variant of Uncertain Significance.

NM_003718.5(CDK13):c.4306G>A (p.Val1436Ile)

Gene: CDK13 (cyclin dependent kinase 13; plus strand). Cytogenetic location: 7p14.1.
Variant type: single nucleotide variant.
Coding change: c.4306G>A on transcript NM_003718.5 (MANE Select); coding-DNA position 4306, G replaced by A.
Protein change: p.Val1436Ile; replaces valine 1436 with isoleucine.
Molecular consequence: missense variant.
Genome position (GRCh38, 1-based): chr7:40,094,747, G>A. VCF-style: chr7-40094747-G-A. GRCh37 (hg19) VCF-style: chr7-40134346-G-A.
Other names: c.4126G>A, p.Val1376Ile (NM_031267.4); short protein forms V1376I, V1436I.
Identifiers: ClinVar variation 4809825 (VCV004809825.1).